The following is an entry in ClinVar:

ClinVar aggregate classification (germline): Uncertain significance. Review status: reviewed by expert panel (3 of 4 stars). 3 submissions from 3 submitters: Uncertain significance (1). 2 of the submissions do not count toward it. Last evaluated 2023-11-02.

Conditions:
Glanzmann thrombasthenia. Also called: BLEEDING DISORDER, PLATELET-TYPE, 2; THROMBASTHENIA OF GLANZMANN AND NAEGELI; Thrombasthenia; Glanzmann's thrombasthenia; PLATELET GLYCOPROTEIN IIb-IIIa DEFICIENCY. Identifiers: Orphanet 849, MedGen C0040015, MONDO:0100326.

Allele frequency attached by ClinVar (database versions not stated): TOPMed below 0.00001; gnomAD 0.00001; gnomAD exomes 0.00001 and 0.00004; ExAC 0.00002.
gnomAD v4.1: 16 of 1,614,076 alleles (0.00099%); highest among the groups gnomAD compares: East Asian, 0.0045%; 1 homozygote.

Submissions (3):

ClinGen Platelet Disorders Variant Curation Expert Panel, ClinGen
Classification: Uncertain significance for Glanzmann thrombasthenia. Last evaluated: 2023-11-02. Review status: reviewed by expert panel. Criteria: ClinGen Platelet ACMG Specifications v2-1. Collection method: curation. Allele origin: germline. Inheritance: Autosomal recessive inheritance.
Comment: The NM_000212.3(ITGB3):c.355C>T variant predicts a missense change, Arg119Trp. It is reported at a low frequency of 0.00004454 (2/44902 alleles) in the East Asian population in gnomAD v4.0.0 however a homozygous individual is also present. At least 3 GT patients (compound heterozygous) with the variant have been reported in the literature (PMID: 12083483 and PMID: 32581362). Those from PMID: 12083483 meet criteria for PP4_Strong including bleeding phenotype, abnormal platelet aggregation in response to >2 agonists and normal aggregation to ristocetin, reduced αIIbβ3 integrin expression on flow cytometry and full sequencing of ITGA2B and ITGB3 both genes. The variant has a REVEL score of 0.883, meeting criteria for PP3 (threshold: >0.7). Another variant, Arg119Gln, evaluated as a VUS by the Platelet Disorders VCEP, has been reported at the same residue. In summary, there is insufficient evidence at this time to classify the Arg119Trp variant. GT-specific criteria met: PP3, PP4_strong.

Women's Health and Genetics/Laboratory Corporation of America, LabCorp
Classification: Uncertain significance. Last evaluated: 2024-04-03. Review status: criteria provided, single submitter. Criteria: LabCorp Variant Classification Summary - May 2015. Collection method: clinical testing. Allele origin: germline. Not counted in ClinVar's aggregate classification.
Comment: Variant summary: ITGB3 c.355C>T (p.Arg119Trp) results in a non-conservative amino acid change located in the Integrin beta subunit, VWA domain (IPR002369) of the encoded protein sequence. Five of five in-silico tools predict a damaging effect of the variant on protein function. The variant allele was found at a frequency of 3.6e-05 in 249800 control chromosomes in the gnomAD database, including 1 homozygotes (gnomAD). c.355C>T has been reported in the literature in individuals affected with Glanzmann Thrombasthenia (example: DAndrea_2002, Turro_2020). These data indicate that the variant may be associated with disease. To our knowledge, no experimental evidence demonstrating an impact on protein function has been reported. The following publications have been ascertained in the context of this evaluation (PMID: 12083483, 32581362). ClinVar contains an entry for this variant (Variation ID: 812735). Based on the evidence outlined above, the variant was classified as VUS-possibly pathogenic.

NIHR Bioresource Rare Diseases, University of Cambridge
Classification: Likely pathogenic for Glanzmann thrombasthenia 1. Review status: no assertion criteria provided. Collection method: research. Allele origin: unknown. Affected: yes. Observed: 1 variant allele. Not counted in ClinVar's aggregate classification.

Literature cited by the submitters: PubMed 32581362 (cited by Women's Health and Genetics/Laboratory Corporation of America, LabCorp and NIHR Bioresource Rare Diseases, University of Cambridge); PubMed 12083483 (cited by Women's Health and Genetics/Laboratory Corporation of America, LabCorp).

NM_000212.3(ITGB3):c.355C>T (p.Arg119Trp)

Gene: ITGB3 (integrin subunit beta 3; plus strand). Cytogenetic location: 17q21.32.
Variant type: single nucleotide variant.
Coding change: c.355C>T on transcript NM_000212.3 (MANE Select); coding-DNA position 355, C replaced by T.
Protein change: p.Arg119Trp; replaces arginine 119 with tryptophan.
Molecular consequence: missense variant.
Genome position (GRCh38, 1-based): chr17:47,283,543, C>T. VCF-style: chr17-47283543-C-T. GRCh37 (hg19) VCF-style: chr17-45360909-C-T.
Other names: short protein forms R119W.
Identifiers: ClinVar variation 812735 (VCV000812735.6), dbSNP rs781062792, ClinGen allele CA8622924.